The following is an entry in ClinVar:

NM_000051.4(ATM):c.1899-16T>C

Gene: ATM (ATM serine/threonine kinase; plus strand). Cytogenetic location: 11q22.3.
Variant type: single nucleotide variant.
Coding change: c.1899-16T>C on transcript NM_000051.4 (MANE Select); 16 bases into the intron before coding-DNA position 1899, T replaced by C.
Molecular consequence: intron variant.
Genome position (GRCh38, 1-based): chr11:108,253,798, T>C. VCF-style: chr11-108253798-T-C. GRCh37 (hg19) VCF-style: chr11-108124525-T-C.
Other names: c.1899-16T>C (NM_001351834.2).
Identifiers: ClinVar variation 1998071 (VCV001998071.5), dbSNP rs1352009139, ClinGen allele CA2580083812.

ClinVar aggregate classification (germline): Likely benign. Review status: criteria provided, multiple submitters, no conflicts (2 of 4 stars). 2 submissions from 2 submitters: Likely benign (2). Last evaluated 2024-05-02.

Conditions:
Familial cancer of breast. Also called: BREAST CANCER, FAMILIAL; Hereditary breast cancer; hereditary breast carcinoma. Identifiers: Orphanet 227535, MedGen C0346153, MONDO:0016419, OMIM 114480. Disease mechanism: loss of function.
Ataxia-telangiectasia syndrome (AT). Also called: Ataxia-telangiectasia, complementation group E; Ataxia-telangiectasia; ATAXIA-TELANGIECTASIA, COMPLEMENTATION GROUP A; Ataxia-telangiectasia, complementation group D; Ataxia telangiectasia (A-T); LOUIS-BAR SYNDROME. Identifiers: Orphanet 100, MedGen C0004135, MONDO:0008840, OMIM 208900.

Submissions (2):

Myriad Genetics, Inc.
Classification: Likely benign for Familial cancer of breast. Last evaluated: 2024-05-02. Review status: criteria provided, single submitter. Criteria: Myriad Autosomal Dominant, Autosomal Recessive and X-Linked Classification Criteria (2023). Collection method: clinical testing. Allele origin: unknown.
Comment: This variant is considered likely benign. This variant is intronic and is not expected to impact mRNA splicing.

Labcorp Genetics (formerly Invitae), Labcorp
Classification: Likely benign for Ataxia-telangiectasia syndrome. Last evaluated: 2022-05-22. Review status: criteria provided, single submitter. Criteria: Invitae Variant Classification Sherloc (09022015). Collection method: clinical testing. Allele origin: germline.